The following is an entry in ClinVar:

NM_022739.4(SMURF2):c.573G>A (p.Pro191=)

Gene: SMURF2 (SMAD specific E3 ubiquitin protein ligase 2; minus strand). Cytogenetic location: 17q23.3.
Variant type: single nucleotide variant.
Coding change: c.573G>A on transcript NM_022739.4 (MANE Select); coding-DNA position 573, G replaced by A.
Protein change: p.Pro191=; no amino-acid change (proline 191 retained).
Molecular consequence: synonymous variant.
Genome position (GRCh38, 1-based): chr17:64,580,988, C>T on the plus strand (G>A on the coding strand, the complement: SMURF2 is on the minus strand). VCF-style: chr17-64580988-C-T. GRCh37 (hg19) VCF-style: chr17-62577106-C-T.
Identifiers: ClinVar variation 3049663 (VCV003049663.2), dbSNP rs147881898, ClinGen allele CA8715087.

ClinVar aggregate classification (germline): Likely benign (0 of 4 stars; one submission).

Conditions:
SMURF2-related disorder. Also called: SMURF2-related condition.

Allele frequency attached by ClinVar (database versions not stated): ESP Exome Variant Server 0.00008; TOPMed 0.00010; gnomAD exomes 0.00012; gnomAD 0.00013; ExAC 0.00020.
gnomAD v4.1: 188 of 1,613,710 alleles (0.012%); highest among the groups gnomAD compares: South Asian, 0.12%; no homozygotes.

Submission:

PreventionGenetics, part of Exact Sciences
Classification: Likely benign for SMURF2-related condition. Last evaluated: 2019-07-23. Review status: no assertion criteria provided. Collection method: clinical testing. Allele origin: germline.
Comment: This variant is classified as likely benign based on ACMG/AMP sequence variant interpretation guidelines (Richards et al. 2015 PMID: 25741868, with internal and published modifications).